The following is an entry in ClinVar:

NM_001367624.2(ZNF469):c.2461G>A (p.Ala821Thr)

Gene: ZNF469 (zinc finger protein 469; plus strand). Cytogenetic location: 16q24.2.
Variant type: single nucleotide variant.
Coding change: c.2461G>A on transcript NM_001367624.2 (MANE Select); coding-DNA position 2461, G replaced by A.
Protein change: p.Ala821Thr; replaces alanine 821 with threonine.
Molecular consequence: missense variant.
Genome position (GRCh38, 1-based): chr16:88,429,931, G>A. VCF-style: chr16-88429931-G-A. GRCh37 (hg19) VCF-style: chr16-88496339-G-A.
Other names: NM_001127464.1:c.2461G>A; short protein forms A821T.
Identifiers: ClinVar variation 2624543 (VCV002624543.2), dbSNP rs1475512087, ClinGen allele CA397072233.

ClinVar aggregate classification (germline): Uncertain significance (1 of 4 stars; one submission).

Conditions:
Cardiovascular phenotype. Identifiers: MedGen CN230736.

Allele frequency attached by ClinVar (database versions not stated): gnomAD exomes below 0.00001; TOPMed below 0.00001; gnomAD 0.00001.
gnomAD v4.1: 3 of 1,550,066 alleles (0.00019%); highest among the groups gnomAD compares: African/African-American, 0.0041%; no homozygotes.

Submission:

Ambry Genetics
Classification: Uncertain significance for Cardiovascular phenotype. Last evaluated: 2023-08-03. Review status: criteria provided, single submitter. Criteria: Ambry Variant Classification Scheme 2023. Collection method: clinical testing. Allele origin: germline.
Comment: The p.A821T variant (also known as c.2461G>A), located in coding exon 1 of the ZNF469 gene, results from a G to A substitution at nucleotide position 2461. The alanine at codon 821 is replaced by threonine, an amino acid with similar properties. This amino acid position is conserved. In addition, this alteration is predicted to be tolerated by in silico analysis. Since supporting evidence is limited at this time, the clinical significance of this alteration remains unclear.